The following is an entry in ClinVar:

ClinVar aggregate classification (germline): Pathogenic (1 of 4 stars; one submission).

Submission:

ARUP Laboratories, Molecular Genetics and Genomics, ARUP Laboratories
Classification: Pathogenic. Last evaluated: 2018-05-10. Review status: criteria provided, single submitter. Criteria: ARUP Molecular Germline Variant Investigation Process. Collection method: clinical testing. Allele origin: germline.
Comment: The ACVRL1 c.1144delG; p.Asp382fs variant, to our knowledge, is not reported in the medical literature or in gene-specific databases. It is also absent from general population databases (1000 Genomes Project, Exome Variant Server, and Genome Aggregation Database), indicating it is not a common polymorphism. This variant causes a frameshift by deleting a single nucleotide, so it is predicted to result in a truncated protein or mRNA subject to nonsense-mediated decay. Additionally, several downstream frameshift variants have been described in individuals with hereditary hemorrhagic telangiectasia and are considered pathogenic (Abdalla 2003, McDonald 2011, Wehner 2006). Based on available information, this variant is considered pathogenic. References: Abdalla S et al. Disease-associated mutations in conserved residues of ALK-1 kinase domain. Eur J Hum Genet. 2003 Apr;11(4):279-87. McDonald J et al. Molecular diagnosis in hereditary hemorrhagic telangiectasia: findings in a series tested simultaneously by sequencing and deletion/duplication analysis. Clin Genet. 2011 Apr;79(4):335-44. Wehner L et al. Mutation analysis in hereditary haemorrhagic telangiectasia in Germany reveals 11 novel ENG and 12 novel ACVRL1/ALK1 mutations. Clin Genet. 2006 Mar;69(3):239-45.

NM_000020.3(ACVRL1):c.1144del (p.Asp382fs)

Gene: ACVRL1 (activin A receptor like type 1; plus strand). Cytogenetic location: 12q13.13.
Variant type: Deletion.
Coding change: c.1144del on transcript NM_000020.3 (MANE Select); coding-DNA position 1144, one base deleted (G; older notation c.1144delG).
Protein change: p.Asp382fs; shifts the reading frame from aspartic acid 382.
Molecular consequence: frameshift variant.
Genome position (GRCh38, 1-based): chr12:51,916,131, G deleted; the last of 2 consecutive G bases (chr12:51,916,130-51,916,131); deleting either gives the same sequence. VCF-style (leftmost placement, unchanged base first): chr12-51916129-TG-T. GRCh37 (hg19) VCF-style: chr12-52309913-TG-T.
Other names: c.1144del, p.Asp382fs (NM_001077401.2); c.1144delG (NM_000020.2); short protein forms D382fs.
Identifiers: ClinVar variation 617962 (VCV000617962.8), dbSNP rs1565595009, ClinGen allele CA913190987.